The following is an entry in ClinVar:

NM_058179.4(PSAT1):c.444C>T (p.Tyr148=)

Gene: PSAT1 (phosphoserine aminotransferase 1; plus strand). Cytogenetic location: 9q21.2.
Variant type: single nucleotide variant.
Coding change: c.444C>T on transcript NM_058179.4 (MANE Select); coding-DNA position 444, C replaced by T.
Protein change: p.Tyr148=; no amino-acid change (tyrosine 148 retained).
Molecular consequence: synonymous variant.
Genome position (GRCh38, 1-based): chr9:78,306,360, C>T. VCF-style: chr9-78306360-C-T. GRCh37 (hg19) VCF-style: chr9-80921276-C-T.
Other names: c.444C>T, p.Tyr148= (NM_021154.5).
Identifiers: ClinVar variation 2178843 (VCV002178843.31), dbSNP rs148598272, ClinGen allele CA5095627.
Genomic context (GRCh38, chr9:78,306,360, plus strand): 5'-GTCTTCTGTGATAGAAATTCCAGATCCAAGCACCTGGAACCTCAACCCAGATGCCTCCTA[C>T]GTGTATTATTGCGCAAATGAGACGGTGCATGGTGTGGAGTTTGACTTTATACCCGATGTC-3'
Protein context (NP_478059.1, residues 138-158): STWNLNPDAS[Tyr148=]VYYCANETVH

ClinVar aggregate classification (germline): Likely benign. Review status: criteria provided, multiple submitters, no conflicts (2 of 4 stars). 2 submissions from 2 submitters: Likely benign (2). Last evaluated 2024-09-17.

Conditions:
Neu-Laxova syndrome 2. Identifiers: Orphanet 2671, Orphanet 583602, MedGen C4015019, MONDO:0014466, OMIM 616038.

Allele frequency attached by ClinVar (database versions not stated): ExAC 0.00001; gnomAD 0.00001; TOPMed 0.00001; ESP Exome Variant Server 0.00008.
gnomAD v4.1: 17 of 1,612,968 alleles (0.0011%); highest among the groups gnomAD compares: South Asian, 0.0022%; no homozygotes.

Submissions (2):

Labcorp Genetics (formerly Invitae), Labcorp
Classification: Likely benign for Neu-Laxova syndrome 2. Last evaluated: 2024-09-17. Review status: criteria provided, single submitter. Criteria: Invitae Variant Classification Sherloc (09022015). Collection method: clinical testing. Allele origin: germline.

CeGaT Center for Human Genetics Tuebingen
Classification: Likely benign. Last evaluated: 2023-06-01. Review status: criteria provided, single submitter. Criteria: CeGaT Center For Human Genetics Tuebingen Variant Classification Criteria Version 2. Collection method: clinical testing. Allele origin: germline. Affected: yes. Observed: 1 variant allele.
Comment: PSAT1: BP4, BP7